The following is an entry in ClinVar:

NM_005026.5(PIK3CD):c.2074C>G (p.Leu692Val)

Gene: PIK3CD (phosphatidylinositol-4,5-bisphosphate 3-kinase catalytic subunit delta; plus strand). Cytogenetic location: 1p36.22.
Variant type: single nucleotide variant.
Coding change: c.2074C>G on transcript NM_005026.5 (MANE Select); coding-DNA position 2074, C replaced by G.
Protein change: p.Leu692Val; replaces leucine 692 with valine.
Molecular consequence: missense variant.
Genome position (GRCh38, 1-based): chr1:9,721,993, C>G. VCF-style: chr1-9721993-C-G. GRCh37 (hg19) VCF-style: chr1-9782051-C-G.
Other names: c.2074C>G (LRG_191t1); c.2071C>G, p.Leu691Val (NM_001350234.2); c.1987C>G, p.Leu663Val (NM_001350235.1); short protein forms L691V, L663V, L692V.
Identifiers: ClinVar variation 639617 (VCV000639617.9), dbSNP rs1481047336, ClinGen allele CA338304968.

ClinVar aggregate classification (germline): Uncertain significance (1 of 4 stars; one submission).

Conditions:
Immunodeficiency 14 (IMD14A). Also called: p110-DELTA-ACTIVATING MUTATION CAUSING SENESCENT T CELLS, LYMPHADENOPATHY, AND IMMUNODEFICIENCY; IMMUNODEFICIENCY 14A WITH LYMPHOPROLIFERATION, AUTOSOMAL DOMINANT; ACTIVATED PI3K-DELTA SYNDROME 1; Activated PI3K Delta Syndrome Type 1 (APDS1). Identifiers: Orphanet 397596, Orphanet 693661, MedGen C5907821, MONDO:0014222, OMIM 615513.

Allele frequency attached by ClinVar (database versions not stated): gnomAD exomes below 0.00001; gnomAD 0.00001; TOPMed below 0.00001.
gnomAD v4.1: 2 of 1,613,572 alleles (0.00012%); highest among the groups gnomAD compares: Non-Finnish European, 0.00017%; no homozygotes.

Submission:

Labcorp Genetics (formerly Invitae), Labcorp
Classification: Uncertain significance for Activated PI3K-delta syndrome. Last evaluated: 2022-06-04. Review status: criteria provided, single submitter. Criteria: Invitae Variant Classification Sherloc (09022015). Collection method: clinical testing. Allele origin: germline.
Comment: This sequence change replaces leucine, which is neutral and non-polar, with valine, which is neutral and non-polar, at codon 692 of the PIK3CD protein (p.Leu692Val). This variant is not present in population databases (gnomAD no frequency). This variant has not been reported in the literature in individuals affected with PIK3CD-related conditions. ClinVar contains an entry for this variant (Variation ID: 639617). Algorithms developed to predict the effect of missense changes on protein structure and function are either unavailable or do not agree on the potential impact of this missense change (SIFT: "Deleterious"; PolyPhen-2: "Benign"; Align-GVGD: "Class C0"). In summary, the available evidence is currently insufficient to determine the role of this variant in disease. Therefore, it has been classified as a Variant of Uncertain Significance.